The following is an entry in ClinVar:

NM_206933.4(USH2A):c.545_546del (p.Lys182fs)

Gene: USH2A (usherin; minus strand). Cytogenetic location: 1q41.
Variant type: Deletion.
Coding change: c.545_546del on transcript NM_206933.4 (MANE Select); coding-DNA positions 545 to 546, 2 bases deleted (AA; older notation c.545_546delAA).
Protein change: p.Lys182fs; shifts the reading frame from lysine 182.
Molecular consequence: frameshift variant.
Genome position (GRCh38, 1-based): chr1:216,418,619-216,418,620, TT deleted on the plus strand (AA on the coding strand, the reverse complement: USH2A is on the minus strand); deleting any 2 consecutive bases within chr1:216,418,619-216,418,621 gives the same sequence; the c. name uses the placement nearest the transcript's 3' end. VCF-style (leftmost placement, unchanged base first): chr1-216418618-CTT-C. GRCh37 (hg19) VCF-style: chr1-216591960-CTT-C.
Other names: c.545_546del, p.Lys182fs (NM_007123.6); short protein forms K182fs.
Identifiers: ClinVar variation 556324 (VCV000556324.16), dbSNP rs780779563, ClinGen allele CA1396755.

ClinVar aggregate classification (germline): Pathogenic. Review status: criteria provided, multiple submitters, no conflicts (2 of 4 stars). 8 submissions from 7 submitters: Pathogenic (7). 1 of the submissions does not count toward it. Last evaluated 2025-06-30.

Conditions:
USH2A-related disorder. Also called: USH2A-related disorders; USH2A-related condition. Identifiers: MedGen CN239332.
Retinitis pigmentosa 39 (RP39). Identifiers: Orphanet 791, MedGen C3151138, MONDO:0013436, OMIM 613809.
Usher syndrome type 2A. Also called: RETINAL DISEASE IN USHER SYNDROME TYPE IIA, MODIFIER OF; USHER SYNDROME, TYPE IIA. Identifiers: Orphanet 231178, Orphanet 886, MedGen C1848634, MONDO:0010169, OMIM 276901.

Submissions (8):

Natera, Inc.
Classification: Pathogenic for Usher syndrome type 2A. Last evaluated: 2025-06-30. Review status: criteria provided, single submitter. Criteria: Natera Variant Classification Schema (03/2026). Collection method: clinical testing. Allele origin: germline.
Comment: The c.545_546delAA variant in USH2A is a frameshift variant predicted to shift the reading frame beginning at codon 182 and leads to a stop codon 33 codons downstream. This variant is expected to result in nonsense mediated decay, truncation, or a dysfunctional protein product. This variant is rare in the general population with a frequency below the threshold expected for the associated phenotype(s). This variant has been observed in one or more individuals affected with the associated recessive disease, as either homozygous or compound heterozygous with a second variant (PMID: 27318125). Given the available evidence, this variant is classified as Pathogenic.

Labcorp Genetics (formerly Invitae), Labcorp
Classification: Pathogenic. Last evaluated: 2024-03-09. Review status: criteria provided, single submitter. Criteria: Invitae Variant Classification Sherloc (09022015). Collection method: clinical testing. Allele origin: germline.
Comment: This sequence change creates a premature translational stop signal (p.Lys182Argfs*33) in the USH2A gene. It is expected to result in an absent or disrupted protein product. Loss-of-function variants in USH2A are known to be pathogenic (PMID: 10729113, 10909849, 20507924, 25649381). This variant is not present in population databases (gnomAD no frequency). This premature translational stop signal has been observed in individual(s) with clinical features of Usher syndrome type II (PMID: 15325563, 18273898, 27318125). ClinVar contains an entry for this variant (Variation ID: 556324). For these reasons, this variant has been classified as Pathogenic.

Baylor Genetics
Classification: Pathogenic for Retinitis pigmentosa 39. Last evaluated: 2023-11-21. Review status: criteria provided, single submitter. Criteria: ACMG Guidelines, 2015. Collection method: clinical testing. Allele origin: unknown.

Genome-Nilou Lab
Classification: Pathogenic for Retinitis pigmentosa 39. Last evaluated: 2023-11-04. Review status: criteria provided, single submitter. Criteria: ACMG Guidelines, 2015. Collection method: clinical testing. Allele origin: germline. Affected: no.

Genome-Nilou Lab
Classification: Pathogenic for Usher syndrome type 2A. Last evaluated: 2023-11-04. Review status: criteria provided, single submitter. Criteria: ACMG Guidelines, 2015. Collection method: clinical testing. Allele origin: germline. Affected: no.

Blueprint Genetics
Classification: Pathogenic for USH2A-related disorders. Last evaluated: 2021-11-24. Review status: criteria provided, single submitter. Criteria: ACMG Guidelines, 2015. Collection method: clinical testing. Allele origin: germline. Affected: yes. Observed: 5 variant alleles.

GeneDx
Classification: Pathogenic. Last evaluated: 2018-11-02. Review status: criteria provided, single submitter. Criteria: GeneDx Variant Classification (06012015). Collection method: clinical testing. Allele origin: germline. Affected: yes.
Comment: The c.545_546delAA variant in the USH2A gene has been reported previously in association with autosomal recessive Usher syndrome type II (Sayedahmadi et al., 2004; Hartel et al., 2016). In addition, the c.545_546delAA variant has been reported in an individual with retinitis pigmentosa who also had another frameshift variant in the USH2A gene (Sandberg et al., 2008). The c.545_546delAA variant causes a frameshift starting with codon Lysine 182, changes this amino acid to an Arginine residue, and creates a premature Stop codon at position 33 of the new reading frame, denoted p.Lys182ArgfsX33. This variant is predicted to cause loss of normal protein function either through protein truncation or nonsense-mediated mRNA decay. The c.545_546delAA variant is not observed in large population cohorts (Lek et al., 2016). We interpret c.545_546delAA as a pathogenic variant.

Counsyl
Classification: Pathogenic for Usher syndrome type 2A; Retinitis pigmentosa 39. Last evaluated: 2018-01-24. Review status: no assertion criteria provided. Collection method: clinical testing. Allele origin: unknown. Not counted in ClinVar's aggregate classification.

Literature cited by the submitters: PubMed 27318125 (cited by Natera, Inc. and Labcorp Genetics (formerly Invitae), Labcorp); PubMed 10729113 (cited by Labcorp Genetics (formerly Invitae), Labcorp); PubMed 10909849 (cited by Labcorp Genetics (formerly Invitae), Labcorp); PubMed 20507924 (cited by Labcorp Genetics (formerly Invitae), Labcorp); PubMed 25649381 (cited by Labcorp Genetics (formerly Invitae), Labcorp); PubMed 15325563 (cited by Labcorp Genetics (formerly Invitae), Labcorp and Counsyl); PubMed 18273898 (cited by Labcorp Genetics (formerly Invitae), Labcorp and Counsyl); PubMed 16963483 (cited by Counsyl).